The following is an entry in ClinVar:

ClinVar aggregate classification (germline): Likely benign (0 of 4 stars; one submission).

Conditions:
MCTP2-related disorder. Also called: MCTP2-related condition.

Submission:

PreventionGenetics, part of Exact Sciences
Classification: Likely benign for MCTP2-related condition. Last evaluated: 2024-04-26. Review status: no assertion criteria provided. Collection method: clinical testing. Allele origin: germline.
Comment: This variant is classified as likely benign based on ACMG/AMP sequence variant interpretation guidelines (Richards et al. 2015 PMID: 25741868, with internal and published modifications).

NM_001385001.1(MCTP2):c.2382C>G (p.Pro794=)

Gene: MCTP2 (multiple C2 and transmembrane domain containing 2; plus strand). Cytogenetic location: 15q26.2.
Variant type: single nucleotide variant.
Coding change: c.2382C>G on transcript NM_001385001.1 (MANE Select); coding-DNA position 2382, C replaced by G.
Protein change: p.Pro794=; no amino-acid change (proline 794 retained).
Molecular consequence: synonymous variant. On other transcripts: non-coding transcript variant (7).
Genome position (GRCh38, 1-based): chr15:94,470,354, C>G. VCF-style: chr15-94470354-C-G. GRCh37 (hg19) VCF-style: chr15-95013583-C-G.
Other names: c.2217C>G, p.Pro739= (NM_001159643.2, NM_001385004.1); c.2382C>G, p.Pro794= (NM_001385002.1, NM_001385003.1, NM_018349.4); c.2340C>G, p.Pro780= (NM_001385005.1); c.2259C>G, p.Pro753= (NM_001385006.1); c.2100C>G, p.Pro700= (NM_001385007.1); c.1884C>G, p.Pro628= (NM_001385009.1); c.1719C>G, p.Pro573= (NM_001385010.1).
Identifiers: ClinVar variation 3356091 (VCV003356091.1).